The following is an entry in ClinVar:

NM_170606.3(KMT2C):c.11266G>A (p.Ala3756Thr)

Gene: KMT2C (lysine methyltransferase 2C; minus strand). Cytogenetic location: 7q36.1.
Variant type: single nucleotide variant.
Coding change: c.11266G>A on transcript NM_170606.3 (MANE Select); coding-DNA position 11266, G replaced by A.
Protein change: p.Ala3756Thr; replaces alanine 3756 with threonine.
Molecular consequence: missense variant.
Genome position (GRCh38, 1-based): chr7:152,162,311, C>T on the plus strand (G>A on the coding strand, the complement: KMT2C is on the minus strand). VCF-style: chr7-152162311-C-T. GRCh37 (hg19) VCF-style: chr7-151859396-C-T.
Other names: short protein forms A3756T.
Identifiers: ClinVar variation 2864602 (VCV002864602.3), dbSNP rs2129103674, ClinGen allele CA370101069.

ClinVar aggregate classification (germline): Uncertain significance (1 of 4 stars; one submission).

Submission:

Labcorp Genetics (formerly Invitae), Labcorp
Classification: Uncertain significance. Last evaluated: 2023-12-09. Review status: criteria provided, single submitter. Criteria: Invitae Variant Classification Sherloc (09022015). Collection method: clinical testing. Allele origin: germline.
Comment: This sequence change replaces alanine, which is neutral and non-polar, with threonine, which is neutral and polar, at codon 3756 of the KMT2C protein (p.Ala3756Thr). This variant is not present in population databases (gnomAD no frequency). This variant has not been reported in the literature in individuals affected with KMT2C-related conditions. Advanced modeling of protein sequence and biophysical properties (such as structural, functional, and spatial information, amino acid conservation, physicochemical variation, residue mobility, and thermodynamic stability) performed at Invitae indicates that this missense variant is not expected to disrupt KMT2C protein function with a negative predictive value of 80%. In summary, the available evidence is currently insufficient to determine the role of this variant in disease. Therefore, it has been classified as a Variant of Uncertain Significance.